The following is an entry in ClinVar:

NM_000143.4(FH):c.727dup (p.Thr243fs)

Gene: FH (fumarate hydratase; minus strand). Cytogenetic location: 1q43.
Variant type: Duplication.
Coding change: c.727dup on transcript NM_000143.4 (MANE Select); coding-DNA position 727, one base duplicated (A; older notation c.727dupA).
Protein change: p.Thr243fs; shifts the reading frame from threonine 243.
Molecular consequence: frameshift variant.
Genome position (GRCh38, 1-based): chr1:241,508,614, T duplicated on the plus strand (A on the coding strand, the reverse complement: FH is on the minus strand). VCF-style (leftmost placement, unchanged base first): chr1-241508613-G-GT. GRCh37 (hg19) VCF-style: chr1-241671913-G-GT.
Other names: short protein forms T243fs.
Identifiers: ClinVar variation 2728346 (VCV002728346.3), dbSNP rs2527327079, ClinGen allele CA2697547775.
Genomic context (GRCh38, chr1:241,508,613, plus strand): 5'-GCCATTTGTACCAAGCTCTAAATTGAATCAAATTAGTCAAACTCCTATACCTGCCCAAGA[G>GT]TAAGTGGAACAGCATCCTGAGTATGAGTACGTCCAATCTTGATGATCTGTGCAAACTCTT-3'

ClinVar aggregate classification (germline): Pathogenic (1 of 4 stars; one submission).

Submission:

Labcorp Genetics (formerly Invitae), Labcorp
Classification: Pathogenic. Last evaluated: 2023-08-19. Review status: criteria provided, single submitter. Criteria: Invitae Variant Classification Sherloc (09022015). Collection method: clinical testing. Allele origin: germline.
Comment: For these reasons, this variant has been classified as Pathogenic. This variant has not been reported in the literature in individuals affected with FH-related conditions. This sequence change creates a premature translational stop signal (p.Thr243Asnfs*7) in the FH gene. It is expected to result in an absent or disrupted protein product. Loss-of-function variants in FH are known to be pathogenic (PMID: 11865300, 21398687). This variant is not present in population databases (gnomAD no frequency).

Literature cited by the submitters: PubMed 11865300; PubMed 21398687.